The following is an entry in ClinVar:

NM_018668.5(VPS33B):c.565C>T (p.Pro189Ser)

Gene: VPS33B (VPS33B late endosome and lysosome associated; minus strand). Cytogenetic location: 15q26.1.
Variant type: single nucleotide variant.
Coding change: c.565C>T on transcript NM_018668.5 (MANE Select); coding-DNA position 565, C replaced by T.
Protein change: p.Pro189Ser; replaces proline 189 with serine.
Molecular consequence: missense variant.
Genome position (GRCh38, 1-based): chr15:91,007,507, G>A on the plus strand (C>T on the coding strand, the complement: VPS33B is on the minus strand). VCF-style: chr15-91007507-G-A. GRCh37 (hg19) VCF-style: chr15-91550737-G-A.
Other names: c.484C>T, p.Pro162Ser (NM_001289148.1); c.292C>T, p.Pro98Ser (NM_001289149.1); c.565C>T (NM_018668.3); short protein forms P189S, P98S, P162S.
Identifiers: ClinVar variation 500967 (VCV000500967.8), dbSNP rs763334651, ClinGen allele CA7745001.

ClinVar aggregate classification (germline): Uncertain significance. Review status: criteria provided, multiple submitters, no conflicts (2 of 4 stars). 4 submissions from 4 submitters: Uncertain significance (4). Last evaluated 2025-06-24.

Conditions:
Inborn genetic diseases. Identifiers: MedGen C0950123, MeSH D030342.

Allele frequency attached by ClinVar (database versions not stated): gnomAD exomes below 0.00001 and 0.00001; ExAC 0.00001; TOPMed 0.00001; gnomAD 0.00004 and 0.00005.

Submissions (4):

Ambry Genetics
Classification: Uncertain significance for Inborn genetic diseases. Last evaluated: 2025-06-24. Review status: criteria provided, single submitter. Criteria: Ambry Variant Classification Scheme 2023. Collection method: clinical testing. Allele origin: germline.

Women's Health and Genetics/Laboratory Corporation of America, LabCorp
Classification: Uncertain significance. Last evaluated: 2025-02-10. Review status: criteria provided, single submitter. Criteria: LabCorp Variant Classification Summary - May 2015. Collection method: clinical testing. Allele origin: germline.
Comment: Variant summary: VPS33B c.565C>T (p.Pro189Ser) results in a non-conservative amino acid change in the encoded protein sequence. Three of five in-silico tools predict a benign effect of the variant on protein function. The variant allele was found at a frequency of 1.1e-05 in 1607110 control chromosomes in the gnomAD database (v4.1 dataset), including 1 homozygote. This frequency is not higher than the maximum estimated for a pathogenic variant in VPS33B causing VPS33B-Related Disorders, allowing no conclusion about variant significance. To our knowledge, no occurrence of c.565C>T in individuals affected with VPS33B-Related Disorders and no experimental evidence demonstrating its impact on protein function have been reported. ClinVar contains an entry for this variant (Variation ID: 500967). Based on the evidence outlined above, the variant was classified as uncertain significance.

Blueprint Genetics
Classification: Uncertain significance. Last evaluated: 2024-10-21. Review status: criteria provided, single submitter. Criteria: ACMG Guidelines, 2015. Collection method: clinical testing. Allele origin: germline.

Eurofins Ntd Llc (ga)
Classification: Uncertain significance. Last evaluated: 2017-03-22. Review status: criteria provided, single submitter. Criteria: EGL Classification Definitions 2015. Collection method: clinical testing. Allele origin: germline. Observed: 1 variant allele, 1 heterozygote.